The following is an entry in ClinVar:

ClinVar aggregate classification (germline): Uncertain significance (1 of 4 stars; one submission).

Submission:

ARUP Laboratories, Molecular Genetics and Genomics, ARUP Laboratories
Classification: Uncertain significance. Last evaluated: 2025-01-03. Review status: criteria provided, single submitter. Criteria: ARUP Molecular Germline Variant Investigation Process 2024. Collection method: clinical testing. Allele origin: germline.
Comment: The NOTCH1 c.4753C>G; p.Leu1585Val variant, to our knowledge, is not reported in the medical literature or gene specific databases. This variant is also absent from the Genome Aggregation Database (v2.1.1), indicating it is not a common polymorphism. Additionally, another amino acid substitution at this codon (p.Leu1585Pro) has been reported in an individual with leukoencephalopathy with calcifications and is considered disease-causing (Helman 2022). Computational analyses are uncertain whether this variant is neutral or deleterious (REVEL: 0.639). Due to limited information, the clinical significance of this variant is uncertain at this time. References: Helman G et al. Heterozygous NOTCH1 Variants Cause CNS Immune Activation and Microangiopathy. Ann Neurol. 2022 Nov;92(5):895-901. PMID: 35947102.

NM_017617.5(NOTCH1):c.4753C>G (p.Leu1585Val)

Gene: NOTCH1 (notch receptor 1; minus strand). Cytogenetic location: 9q34.3.
Variant type: single nucleotide variant.
Coding change: c.4753C>G on transcript NM_017617.5 (MANE Select); coding-DNA position 4753, C replaced by G.
Protein change: p.Leu1585Val; replaces leucine 1585 with valine.
Molecular consequence: missense variant.
Genome position (GRCh38, 1-based): chr9:136,504,938, G>C on the plus strand (C>G on the coding strand, the complement: NOTCH1 is on the minus strand). VCF-style: chr9-136504938-G-C. GRCh37 (hg19) VCF-style: chr9-139399390-G-C.
Other names: short protein forms L1585V.
Identifiers: ClinVar variation 4685934 (VCV004685934.1).